The following is an entry in ClinVar:

NM_001197104.2(KMT2A):c.2214_2218del (p.Arg738fs)

Gene: KMT2A (lysine methyltransferase 2A; plus strand). Cytogenetic location: 11q23.3.
Variant type: Microsatellite.
Coding change: c.2214_2218del on transcript NM_001197104.2 (MANE Select); coding-DNA positions 2214 to 2218, 5 bases deleted (AAAAG; older notation c.2214_2218delAAAAG).
Protein change: p.Arg738fs; shifts the reading frame from arginine 738.
Molecular consequence: frameshift variant.
Genome position (GRCh38, 1-based): chr11:118,473,373-118,473,377, AAAAG deleted; deleting any 5 consecutive bases within chr11:118,473,367-118,473,377 gives the same sequence; the c. name uses the placement nearest the transcript's 3' end. VCF-style (leftmost placement, unchanged base first): chr11-118473366-GGAAAA-G. GRCh37 (hg19) VCF-style: chr11-118344081-GGAAAA-G.
Other names: c.2214_2218del (NM_001197104.1); c.2214_2218del, p.Arg738fs (NM_005933.4); c.2214_2218delAAAAG (NM_001197104.1); short protein forms R738fs.
Identifiers: ClinVar variation 1197588 (VCV001197588.7), dbSNP rs2134266780, ClinGen allele CA2580615092.
Genomic context (GRCh38, chr11:118,473,366, plus strand): 5'-CCTTGCCTAGTAATCGAACTTCTGCTGGAACATCTTCTTCAGGAGTATCCAATAGAAAAA[GGAAAA>G]GAAAAGTGTTTAGTCCTATTCGATCTGAACCAAGATCTCCTTCTCACTCCATGAGGACAA-3'

ClinVar aggregate classification (germline): Pathogenic. Review status: criteria provided, multiple submitters, no conflicts (2 of 4 stars). 4 submissions from 4 submitters: Pathogenic (4). Last evaluated 2025-09-17.

Conditions:
Inborn genetic diseases. Identifiers: MedGen C0950123, MeSH D030342.
Wiedemann-Steiner syndrome (WDSTS). Also called: Growth deficiency and mental retardation with facial dysmorphism. Identifiers: Orphanet 319182, MedGen C1854630, MONDO:0011518, OMIM 605130.

Submissions (4):

Ambry Genetics
Classification: Pathogenic for Inborn genetic diseases. Last evaluated: 2025-09-17. Review status: criteria provided, single submitter. Criteria: Ambry Variant Classification Scheme 2023. Collection method: clinical testing. Allele origin: germline.
Comment: The c.2214_2218delAAAAG alteration, located in exon 3 (coding exon 3) of the KMT2A gene, consists of a deletion of 5 nucleotides from position 2214 to 2218, causing a translational frameshift with a predicted alternate stop codon after amino acids. This alteration is expected to result in loss of function by premature protein truncation or nonsense-mediated mRNA decay. This variant was not reported in population-based cohorts in the Genome Aggregation Database (gnomAD). Based on the available evidence, this alteration is classified as pathogenic.

GeneDx
Classification: Pathogenic. Last evaluated: 2023-06-27. Review status: criteria provided, single submitter. Criteria: GeneDx Variant Classification Process June 2021. Collection method: clinical testing. Allele origin: germline. Affected: yes.
Comment: Frameshift variant predicted to result in protein truncation or nonsense mediated decay in a gene for which loss-of-function is a known mechanism of disease; Not observed at significant frequency in large population cohorts (gnomAD); Has not been previously published as pathogenic or benign to our knowledge

Labcorp Genetics (formerly Invitae), Labcorp
Classification: Pathogenic. Last evaluated: 2023-02-22. Review status: criteria provided, single submitter. Criteria: Invitae Variant Classification Sherloc (09022015). Collection method: clinical testing. Allele origin: germline.
Comment: For these reasons, this variant has been classified as Pathogenic. ClinVar contains an entry for this variant (Variation ID: 1197588). This variant has not been reported in the literature in individuals affected with KMT2A-related conditions. This variant is not present in population databases (gnomAD no frequency). This sequence change creates a premature translational stop signal (p.Arg738Serfs*3) in the KMT2A gene. It is expected to result in an absent or disrupted protein product. Loss-of-function variants in KMT2A are known to be pathogenic (PMID: 22795537, 25574841, 25810209, 28120103, 29574747, 31157197, 31337854).

Institute of Human Genetics, University Hospital of Duesseldorf
Classification: Pathogenic for Wiedemann-Steiner syndrome. Review status: criteria provided, single submitter. Criteria: ACMG Guidelines, 2015. Collection method: not provided. Allele origin: germline. Inheritance: Autosomal dominant inheritance. Affected: yes.

Literature cited by the submitters: PubMed 22795537 (cited by Labcorp Genetics (formerly Invitae), Labcorp); PubMed 25574841 (cited by Labcorp Genetics (formerly Invitae), Labcorp); PubMed 25810209 (cited by Labcorp Genetics (formerly Invitae), Labcorp); PubMed 28120103 (cited by Labcorp Genetics (formerly Invitae), Labcorp); PubMed 29574747 (cited by Labcorp Genetics (formerly Invitae), Labcorp); PubMed 31157197 (cited by Labcorp Genetics (formerly Invitae), Labcorp); PubMed 31337854 (cited by Labcorp Genetics (formerly Invitae), Labcorp).